The following is an entry in ClinVar:

NM_025099.6(CTC1):c.1A>G (p.Met1Val)

Genes: PFAS (phosphoribosylformylglycinamidine synthase; plus strand), CTC1 (CST telomere replication complex component 1; minus strand). Cytogenetic location: 17p13.1.
Variant type: single nucleotide variant.
Coding change: c.1A>G on transcript NM_025099.6 (MANE Select); coding-DNA position 1, A replaced by G.
Protein change: p.Met1Val; changes the start codon (methionine 1).
Molecular consequence: missense variant, initiator codon variant. On other transcripts: non-coding transcript variant (1).
Genome position (GRCh38, 1-based): chr17:8,248,036, T>C on the plus strand (A>G on the coding strand, the complement: CTC1 is on the minus strand). VCF-style: chr17-8248036-T-C. GRCh37 (hg19) VCF-style: chr17-8151354-T-C.
Other names: c.1A>G, p.Met1Val (NM_001411067.1); short protein forms M1V.
Identifiers: ClinVar variation 2202444 (VCV002202444.5), dbSNP rs779499831, ClinGen allele CA8372776.

ClinVar aggregate classification (germline): Pathogenic (1 of 4 stars; one submission).

Conditions:
Dyskeratosis congenita. Identifiers: Orphanet 1775, MedGen C0265965, MONDO:0015780.

gnomAD v4.1: 3 of 1,542,956 alleles (0.00019%); highest among the groups gnomAD compares: Admixed American, 0.0018%; no homozygotes.

Submission:

Labcorp Genetics (formerly Invitae), Labcorp
Classification: Pathogenic for Dyskeratosis congenita. Last evaluated: 2025-11-30. Review status: criteria provided, single submitter. Criteria: Invitae Variant Classification Sherloc (09022015). Collection method: clinical testing. Allele origin: germline.
Comment: This sequence change affects the initiator codon of the CTC1 mRNA. This change may impact translation initiation or efficiency. The next in-frame methionine is located at codon 300. This variant is present in population databases (rs779499831, gnomAD 0.003%). This variant has not been reported in the literature in individuals affected with CTC1-related conditions. ClinVar contains an entry for this variant (Variation ID: 2202444). This variant disrupts a region of the CTC1 protein in which other variant(s) (p.Ala227Val) have been determined to be pathogenic (PMID: 22387016, 24115768, 29481669). This suggests that this is a clinically significant region of the protein, and that variants that disrupt it are likely to be disease-causing. For these reasons, this variant has been classified as Pathogenic.

Literature cited by the submitters: PubMed 22387016; PubMed 24115768; PubMed 29481669.